The following is an entry in ClinVar:

NM_020822.3(KCNT1):c.658C>G (p.Leu220Val)

Gene: KCNT1 (potassium sodium-activated channel subfamily T member 1; plus strand). Cytogenetic location: 9q34.3.
Variant type: single nucleotide variant.
Coding change: c.658C>G on transcript NM_020822.3 (MANE Select); coding-DNA position 658, C replaced by G.
Protein change: p.Leu220Val; replaces leucine 220 with valine.
Molecular consequence: missense variant.
Genome position (GRCh38, 1-based): chr9:135,757,213, C>G. VCF-style: chr9-135757213-C-G. GRCh37 (hg19) VCF-style: chr9-138649059-C-G.
Other names: c.514C>G, p.Leu172Val (NM_001272003.2); short protein forms L220V, L172V.
Identifiers: ClinVar variation 1754343 (VCV001754343.7), dbSNP rs762251339, ClinGen allele CA5326584.

ClinVar aggregate classification (germline): Conflicting classifications of pathogenicity. Review status: criteria provided, conflicting classifications (1 of 4 stars). 2 submissions from 2 submitters: Uncertain significance (1); Likely benign (1). Last evaluated 2024-05-15.

Conditions:
Inborn genetic diseases. Identifiers: MedGen C0950123, MeSH D030342.
Developmental and epileptic encephalopathy, 14 (DEE14). Also called: Early infantile epileptic encephalopathy 14. Identifiers: Orphanet 293181, MedGen C3554195, MONDO:0013989, OMIM 614959.
Autosomal dominant nocturnal frontal lobe epilepsy 5. Also called: KCNT1-Related Epilepsy; Epilepsy, nocturnal frontal lobe, 5; CILIARY DYSKINESIA, PRIMARY, 28, WITHOUT SITUS INVERSUS; CILIARY DYSKINESIA, PRIMARY, 28, WITH SITUS INVERSUS. Identifiers: Orphanet 98784, MedGen C3554306, MONDO:0014002, OMIM 615005.

Allele frequency attached by ClinVar (database versions not stated): ExAC 0.00001.
gnomAD v4.1: 2 of 1,612,512 alleles (0.00012%); highest among the groups gnomAD compares: Admixed American, 0.0017%; no homozygotes.

Submissions (2):

Labcorp Genetics (formerly Invitae), Labcorp
Classification: Uncertain significance for Autosomal dominant nocturnal frontal lobe epilepsy 5; Developmental and epileptic encephalopathy, 14. Last evaluated: 2024-05-15. Review status: criteria provided, single submitter. Criteria: Invitae Variant Classification Sherloc (09022015). Collection method: clinical testing. Allele origin: germline.
Comment: This sequence change replaces leucine, which is neutral and non-polar, with valine, which is neutral and non-polar, at codon 220 of the KCNT1 protein (p.Leu220Val). This variant is present in population databases (rs762251339, gnomAD 0.003%). This variant has not been reported in the literature in individuals affected with KCNT1-related conditions. ClinVar contains an entry for this variant (Variation ID: 1754343). Advanced modeling of protein sequence and biophysical properties (such as structural, functional, and spatial information, amino acid conservation, physicochemical variation, residue mobility, and thermodynamic stability) performed at Invitae indicates that this missense variant is not expected to disrupt KCNT1 protein function with a negative predictive value of 80%. In summary, the available evidence is currently insufficient to determine the role of this variant in disease. Therefore, it has been classified as a Variant of Uncertain Significance.

Ambry Genetics
Classification: Likely benign for Inborn genetic diseases. Last evaluated: 2018-04-24. Review status: criteria provided, single submitter. Criteria: Ambry Variant Classification Scheme 2023. Collection method: clinical testing. Allele origin: germline.